The following is an entry in ClinVar:

ClinVar aggregate classification (germline): Uncertain significance (1 of 4 stars; one submission).

Allele frequency attached by ClinVar (database versions not stated): gnomAD exomes below 0.00001; TOPMed 0.00001.
gnomAD v4.1: 1 of 1,613,248 alleles (0.000062%); highest among the groups gnomAD compares: Admixed American, 0.0017%; no homozygotes.

Submission:

Labcorp Genetics (formerly Invitae), Labcorp
Classification: Uncertain significance. Last evaluated: 2022-07-15. Review status: criteria provided, single submitter. Criteria: Invitae Variant Classification Sherloc (09022015). Collection method: clinical testing. Allele origin: germline.
Comment: In summary, the available evidence is currently insufficient to determine the role of this variant in disease. Therefore, it has been classified as a Variant of Uncertain Significance. Advanced modeling of protein sequence and biophysical properties (such as structural, functional, and spatial information, amino acid conservation, physicochemical variation, residue mobility, and thermodynamic stability) performed at Invitae indicates that this missense variant is expected to disrupt PNPT1 protein function. This variant has not been reported in the literature in individuals affected with PNPT1-related conditions. This variant is present in population databases (no rsID available, gnomAD 0.003%). This sequence change replaces cysteine, which is neutral and slightly polar, with tyrosine, which is neutral and polar, at codon 154 of the PNPT1 protein (p.Cys154Tyr).

NM_033109.5(PNPT1):c.461G>A (p.Cys154Tyr)

Gene: PNPT1 (polyribonucleotide nucleotidyltransferase 1; minus strand). Cytogenetic location: 2p16.1.
Variant type: single nucleotide variant.
Coding change: c.461G>A on transcript NM_033109.5 (MANE Select); coding-DNA position 461, G replaced by A.
Protein change: p.Cys154Tyr; replaces cysteine 154 with tyrosine.
Molecular consequence: missense variant.
Genome position (GRCh38, 1-based): chr2:55,680,911, C>T on the plus strand (G>A on the coding strand, the complement: PNPT1 is on the minus strand). VCF-style: chr2-55680911-C-T. GRCh37 (hg19) VCF-style: chr2-55908046-C-T.
Other names: short protein forms C154Y.
Identifiers: ClinVar variation 1975443 (VCV001975443.5), dbSNP rs1462528617, ClinGen allele CA346938955.